The following is an entry in ClinVar:

GRCh38/hg38 8p23.1(chr8:8336212-12021806)x3

Genes: MFHAS1 (multifunctional ROCO family signaling regulator 1), MIR124-1 (microRNA 124-1), MIR124-1HG (MIR124-1 host gene), MIR1322 (microRNA 1322), MIR4286 (microRNA 4286) and 187 more. Cytogenetic location: 8p23.1.
Variant type: copy number gain.
Change: copy number 3 (three copies instead of two) of chr8:8,336,212-12,021,806 (3.69 Mb, GRCh38 coordinates, 1-based), cytogenetic band 8p23.1.
Identifiers: ClinVar variation 59640 (VCV000059640.3).

ClinVar aggregate classification (germline): Pathogenic (0 of 4 stars; one submission).

Submission:

ISCA Site 6
Classification: Pathogenic. Last evaluated: 2011-08-11. Review status: no assertion criteria provided. Collection method: clinical testing. Allele origin: unknown. Affected: yes. Observed: 1 variant allele.
Comment: Copy number variation identified through the course of routine clinical cytogenomic testing in postnatal populations. Clinical assertions have been curated as described in Kaminsky et al. 2011.

Copy number variation identified through the course of routine clinical cytogenomic testing in postnatal populations. Clinical assertions have been curated as described in Kaminsky, et al. 2011 (PubMed 21844811). For additional ClinGen data, please see nstd37.